The following is an entry in ClinVar:

NM_004444.5(EPHB4):c.2390_2403dup (p.Asp802fs)

Genes: EPHB4 (EPH receptor B4; minus strand), LOC126860124 (CDK7 strongly-dependent group 2 enhancer GRCh37_chr7:100403701-100404900; plus strand). Cytogenetic location: 7q22.1.
Variant type: Duplication.
Coding change: c.2390_2403dup on transcript NM_004444.5 (MANE Select); coding-DNA positions 2390 to 2403, 14 bases duplicated (TCACTTCCGCCAGT).
Protein change: p.Asp802fs; shifts the reading frame from aspartic acid 802.
Molecular consequence: frameshift variant.
Genome position (GRCh38, 1-based): chr7:100,806,501-100,806,514, ACTGGCGGAAGTGA duplicated on the plus strand (TCACTTCCGCCAGT on the coding strand, the reverse complement: EPHB4 is on the minus strand); duplicating any 14 consecutive bases within chr7:100,806,501-100,806,517 gives the same sequence; the c. name uses the placement nearest the transcript's 3' end. VCF-style (leftmost placement, unchanged base first): chr7-100806500-C-CACTGGCGGAAGTGA. GRCh37 (hg19) VCF-style: chr7-100404122-C-CACTGGCGGAAGTGA.
Other names: short protein forms D802fs.
Identifiers: ClinVar variation 4995585 (VCV004995585.1).

ClinVar aggregate classification (germline): Likely pathogenic (1 of 4 stars; one submission).

Conditions:
EPHB4-related disorder. Also called: EPHB4-related condition; EPHB4-related disorders.

Submission:

PreventionGenetics, part of Exact Sciences
Classification: Likely pathogenic for EPHB4-related condition. Last evaluated: 2025-09-17. Review status: criteria provided, single submitter. Criteria: ACMG Guidelines, 2015. Collection method: clinical testing. Allele origin: germline.
Comment: The EPHB4 c.2390_2403dup14 variant is predicted to result in a frameshift and premature protein termination (p.Asp802Serfs*13). To our knowledge, this variant has not been reported in the literature or in a large population database (gnomAD), indicating this variant is rare. Frameshift variants in EPHB4 are expected to be pathogenic. This variant is interpreted as likely pathogenic.